The following is an entry in ClinVar:

NM_005188.4(CBL):c.2540C>T (p.Ala847Val)

Gene: CBL (Cbl proto-oncogene; plus strand). Cytogenetic location: 11q23.3.
Variant type: single nucleotide variant.
Coding change: c.2540C>T on transcript NM_005188.4 (MANE Select); coding-DNA position 2540, C replaced by T.
Protein change: p.Ala847Val; replaces alanine 847 with valine.
Molecular consequence: missense variant.
Genome position (GRCh38, 1-based): chr11:119,299,600, C>T. VCF-style: chr11-119299600-C-T. GRCh37 (hg19) VCF-style: chr11-119170310-C-T.
Other names: short protein forms A847V.
Identifiers: ClinVar variation 5033732 (VCV005033732.1).

ClinVar aggregate classification (germline): Uncertain significance (1 of 4 stars; one submission).

Conditions:
Cardiovascular phenotype. Identifiers: MedGen CN230736.

Submission:

Ambry Genetics
Classification: Uncertain significance for Cardiovascular phenotype. Last evaluated: 2026-07-05. Review status: criteria provided, single submitter. Criteria: Ambry Variant Classification Scheme 2023. Collection method: clinical testing. Allele origin: germline.
Comment: The p.A847V variant (also known as c.2540C>T), located in coding exon 16 of the CBL gene, results from a C to T substitution at nucleotide position 2540. The alanine at codon 847 is replaced by valine, an amino acid with similar properties. This amino acid position is conserved. In addition, this alteration is predicted to be tolerated by in silico analysis. Based on the available evidence, the clinical significance of this variant remains unclear.